The following is an entry in ClinVar:

ClinVar aggregate classification (germline): Uncertain significance. Review status: criteria provided, multiple submitters, no conflicts (2 of 4 stars). 2 submissions from 2 submitters: Uncertain significance (2). Last evaluated 2025-12-23.

Conditions:
Autosomal recessive severe congenital neutropenia due to CSF3R deficiency. Also called: Neutropenia, severe congenital, 7, autosomal recessive. Identifiers: Orphanet 420702, MedGen C4310764, MONDO:0014865, OMIM 617014.

Allele frequency attached by ClinVar (database versions not stated): gnomAD exomes 0.00001 and 0.00003; gnomAD 0.00001; TOPMed 0.00001.
gnomAD v4.1: 43 of 1,614,130 alleles (0.0027%); highest among the groups gnomAD compares: Non-Finnish European, 0.0036%; no homozygotes.

Submissions (2):

Labcorp Genetics (formerly Invitae), Labcorp
Classification: Uncertain significance for Autosomal recessive severe congenital neutropenia due to CSF3R deficiency. Last evaluated: 2025-12-23. Review status: criteria provided, single submitter. Criteria: Invitae Variant Classification Sherloc (09022015). Collection method: clinical testing. Allele origin: germline.
Comment: This sequence change replaces threonine, which is neutral and polar, with isoleucine, which is neutral and non-polar, at codon 154 of the CSF3R protein (p.Thr154Ile). This variant is present in population databases (no rsID available, gnomAD 0.003%). This variant has not been reported in the literature in individuals affected with CSF3R-related conditions. ClinVar contains an entry for this variant (Variation ID: 1311391). Invitae Evidence Modeling of protein sequence and biophysical properties (such as structural, functional, and spatial information, amino acid conservation, physicochemical variation, residue mobility, and thermodynamic stability) indicates that this missense variant is expected to disrupt CSF3R protein function with a positive predictive value of 80%. In summary, the available evidence is currently insufficient to determine the role of this variant in disease. Therefore, it has been classified as a Variant of Uncertain Significance.

GeneDx
Classification: Uncertain significance. Last evaluated: 2020-07-31. Review status: criteria provided, single submitter. Criteria: GeneDx Variant Classification Process June 2021. Collection method: clinical testing. Allele origin: germline. Affected: yes.
Comment: In silico analysis supports that this missense variant has a deleterious effect on protein structure/function; Has not been previously published as pathogenic or benign to our knowledge

NM_000760.4(CSF3R):c.461C>T (p.Thr154Ile)

Gene: CSF3R (colony stimulating factor 3 receptor; minus strand). Cytogenetic location: 1p34.3.
Variant type: single nucleotide variant.
Coding change: c.461C>T on transcript NM_000760.4 (MANE Select); coding-DNA position 461, C replaced by T.
Protein change: p.Thr154Ile; replaces threonine 154 with isoleucine.
Molecular consequence: missense variant.
Genome position (GRCh38, 1-based): chr1:36,473,788, G>A on the plus strand (C>T on the coding strand, the complement: CSF3R is on the minus strand). VCF-style: chr1-36473788-G-A. GRCh37 (hg19) VCF-style: chr1-36939389-G-A.
Other names: c.461C>T, p.Thr154Ile (NM_156039.3, NM_172313.3); short protein forms T154I.
Identifiers: ClinVar variation 1311391 (VCV001311391.5), dbSNP rs1483194095, ClinGen allele CA339423986.